The following is an entry in ClinVar:

NM_015346.4(ZFYVE26):c.7371+18C>T

Gene: ZFYVE26 (zinc finger FYVE-type containing 26; minus strand). Cytogenetic location: 14q24.1.
Variant type: single nucleotide variant.
Coding change: c.7371+18C>T on transcript NM_015346.4 (MANE Select); 18 bases into the intron after coding-DNA position 7371, C replaced by T.
Molecular consequence: intron variant.
Genome position (GRCh38, 1-based): chr14:67,752,326, G>A on the plus strand (C>T on the coding strand, the complement: ZFYVE26 is on the minus strand). VCF-style: chr14-67752326-G-A. GRCh37 (hg19) VCF-style: chr14-68219043-G-A.
Identifiers: ClinVar variation 386393 (VCV000386393.13), dbSNP rs149769693, ClinGen allele CA7238991.
Genomic context (GRCh38, chr14:67,752,326, plus strand): 5'-GAAAACAGAACAATAAAGATGGGGATGTGAAGACACTGAAATTGATGGAGGAGCCAAGAG[G>A]TACGGGAGGGAGTGTACCTGGGGCGGAATTCTCTTGAACGCTTCCAGGCAGTTGAGGAGG-3'

ClinVar aggregate classification (germline): Benign/Likely benign. Review status: criteria provided, multiple submitters, no conflicts (2 of 4 stars). 5 submissions from 5 submitters: Benign (2); Likely benign (3). Last evaluated 2026-01-29.

Conditions:
Spastic paraplegia. Identifiers: MedGen C0037772, HP:0001258.
Hereditary spastic paraplegia 15 (SPG15). Also called: KJELLIN SYNDROME; SPASTIC PARAPLEGIA AND RETINAL DEGENERATION; SPASTIC PARAPLEGIA 15, AUTOSOMAL RECESSIVE. Identifiers: Orphanet 100996, MedGen C1849128, MONDO:0010044, OMIM 270700.

Allele frequency attached by ClinVar (database versions not stated): 1000 Genomes Project 0.00260; TOPMed 0.00261; 1000 Genomes Project 30x 0.00265; gnomAD 0.00272 and 0.00288; gnomAD exomes 0.00334; ESP Exome Variant Server 0.00446; ExAC 0.00550.
gnomAD v4.1: 5,091 of 1,603,442 alleles (0.32%); highest among the groups gnomAD compares: Middle Eastern, 1%; 20 homozygotes.

Submissions (5):

Labcorp Genetics (formerly Invitae), Labcorp
Classification: Benign for Spastic paraplegia. Last evaluated: 2026-01-29. Review status: criteria provided, single submitter. Criteria: Invitae Variant Classification Sherloc (09022015). Collection method: clinical testing. Allele origin: germline.

Blueprint Genetics
Classification: Likely benign. Last evaluated: 2024-11-26. Review status: criteria provided, single submitter. Criteria: ACMG Guidelines, 2015. Collection method: clinical testing. Allele origin: germline.

Genome-Nilou Lab
Classification: Benign for Hereditary spastic paraplegia 15. Last evaluated: 2021-12-05. Review status: criteria provided, single submitter. Criteria: ACMG Guidelines, 2015. Collection method: clinical testing. Allele origin: germline. Affected: no.

GeneDx
Classification: Likely benign. Last evaluated: 2017-02-06. Review status: criteria provided, single submitter. Criteria: GeneDx Variant Classification (06012015). Collection method: clinical testing. Allele origin: germline. Affected: yes.
Comment: This variant is considered likely benign or benign based on one or more of the following criteria: it is a conservative change, it occurs at a poorly conserved position in the protein, it is predicted to be benign by multiple in silico algorithms, and/or has population frequency not consistent with disease.

Breakthrough Genomics
Classification: Likely benign. Review status: criteria provided, single submitter. Criteria: ACMG Guidelines, 2015. Collection method: not provided. Allele origin: germline. Inheritance: Autosomal recessive inheritance. Affected: yes.